The following is an entry in ClinVar:

ClinVar aggregate classification (germline): Uncertain significance (1 of 4 stars; one submission).

Submission:

Women's Health and Genetics/Laboratory Corporation of America, LabCorp
Classification: Uncertain significance. Last evaluated: 2023-10-24. Review status: criteria provided, single submitter. Criteria: LabCorp Variant Classification Summary - May 2015. Collection method: clinical testing. Allele origin: germline.
Comment: Variant summary: PMS2 c.774_778delinsTA (p.Cys259_Ser260delinsThr) results in an in-frame deletion-insertion that is predicted to delete two amino acids (Cys259_Ser250) from the protein and insert one amino acid (Thr) in the protein. The variant was absent in 282054 control chromosomes (gnomAD). The available data on variant occurrences in the general population are insufficient to allow any conclusion about variant significance. To our knowledge, no occurrence of c.774_778delinsTA in individuals affected with Lynch Syndrome and no experimental evidence demonstrating its impact on protein function have been reported. No submitters have cited clinical-significance assessments for this variant to ClinVar after 2014. Based on the evidence outlined above, the variant was classified as uncertain significance.

NM_000535.7(PMS2):c.774_778delinsTA (p.Cys259_Ser260delinsThr)

Gene: PMS2 (PMS1 homolog 2, mismatch repair system component; minus strand). Cytogenetic location: 7p22.1.
Variant type: Indel.
Coding change: c.774_778delinsTA on transcript NM_000535.7 (MANE Select); coding-DNA positions 774 to 778, CTGTT replaced by TA.
Protein change: p.Cys259_Ser260delinsThr.
Molecular consequence: inframe indel. On other transcripts: 5 prime UTR variant (2), non-coding transcript variant (1).
Genome position (GRCh38, 1-based): chr7:5,997,351-5,997,355, AACAG replaced by TA on the plus strand (CTGTT replaced by TA on the coding strand, the reverse complement: PMS2 is on the minus strand). VCF-style: chr7-5997351-AACAG-TA. GRCh37 (hg19) VCF-style: chr7-6036982-AACAG-TA.
Other names: c.369_373delinsTA, p.Cys124_Ser125delinsThr (NM_001322003.2, NM_001322004.2, NM_001322005.2 and 2 more transcripts); c.774_778delinsTA, p.Cys259_Ser260delinsThr (NM_001322006.2, NM_001322014.2); c.456_460delinsTA, p.Cys153_Ser154delinsThr (NM_001322007.2, NM_001322008.2); c.-160_-156delinsTA (NM_001322011.2, NM_001322012.2); c.201_205delinsTA, p.Cys68_Ser69delinsThr (NM_001322013.2); c.465_469delinsTA, p.Cys156_Ser157delinsThr (NM_001322015.2).
Identifiers: ClinVar variation 2637428 (VCV002637428.1), dbSNP rs1784525754, ClinGen allele CA1139659575.